The following is an entry in ClinVar:

ClinVar aggregate classification (germline): Uncertain significance (1 of 4 stars; one submission).

Conditions:
CHARGE syndrome (CHARGE). Also called: Hittner Hirsch Kreh syndrome; CHARGE ASSOCIATION--COLOBOMA, HEART ANOMALY, CHOANAL ATRESIA, RETARDATION, GENITAL AND EAR ANOMALIES; Coloboma, heart anomaly, choanal atresia, retardation, genital and ear anomalies; CHARGE association; Hall-Hittner syndrome. Identifiers: Orphanet 138, MedGen C0265354, MONDO:0008965.

Allele frequency attached by ClinVar (database versions not stated): gnomAD exomes below 0.00001.
gnomAD v4.1: 1 of 1,559,162 alleles (0.000064%); highest among the groups gnomAD compares: Non-Finnish European, 0.000087%; no homozygotes.

Submission:

Labcorp Genetics (formerly Invitae), Labcorp
Classification: Uncertain significance for CHARGE syndrome. Last evaluated: 2023-07-17. Review status: criteria provided, single submitter. Criteria: Invitae Variant Classification Sherloc (09022015). Collection method: clinical testing. Allele origin: germline.
Comment: ClinVar contains an entry for this variant (Variation ID: 1721751). In summary, the available evidence is currently insufficient to determine the role of this variant in disease. Therefore, it has been classified as a Variant of Uncertain Significance. Advanced modeling of protein sequence and biophysical properties (such as structural, functional, and spatial information, amino acid conservation, physicochemical variation, residue mobility, and thermodynamic stability) performed at Invitae indicates that this missense variant is not expected to disrupt CHD7 protein function. This variant has not been reported in the literature in individuals affected with CHD7-related conditions. This variant is not present in population databases (gnomAD no frequency). This sequence change replaces glutamic acid, which is acidic and polar, with lysine, which is basic and polar, at codon 1880 of the CHD7 protein (p.Glu1880Lys).

NM_017780.4(CHD7):c.5638G>A (p.Glu1880Lys)

Gene: CHD7 (chromodomain helicase DNA binding protein 7; plus strand). Cytogenetic location: 8q12.2.
Variant type: single nucleotide variant.
Coding change: c.5638G>A on transcript NM_017780.4 (MANE Select); coding-DNA position 5638, G replaced by A.
Protein change: p.Glu1880Lys; replaces glutamic acid 1880 with lysine.
Molecular consequence: missense variant. On other transcripts: intron variant (1).
Genome position (GRCh38, 1-based): chr8:60,851,292, G>A. VCF-style: chr8-60851292-G-A. GRCh37 (hg19) VCF-style: chr8-61763851-G-A.
Other names: c.1717-10937G>A (NM_001316690.1); short protein forms E1880K.
Identifiers: ClinVar variation 1721751 (VCV001721751.5), dbSNP rs2488023915, ClinGen allele CA371322191.